The following is an entry in ClinVar:

NM_005120.3(MED12):c.118_134delinsTA (p.Asn40_Phe45delinsTyr)

Gene: MED12 (mediator complex subunit 12; plus strand). Cytogenetic location: Xq13.1.
Variant type: Indel.
Coding change: c.118_134delinsTA on transcript NM_005120.3 (MANE Select); coding-DNA positions 118 to 134, AATGTAAAACAAGGTTT replaced by TA.
Protein change: p.Asn40_Phe45delinsTyr.
Molecular consequence: inframe indel.
Genome position (GRCh38, 1-based): chrX:71,119,391-71,119,407, AATGTAAAACAAGGTTT replaced by TA. VCF-style: chrX-71119391-AATGTAAAACAAGGTTT-TA. GRCh37 (hg19) VCF-style: chrX-70339241-AATGTAAAACAAGGTTT-TA.
Identifiers: ClinVar variation 92207 (VCV000092207.2), dbSNP rs199469680, ClinGen allele CA145543.

ClinVar aggregate classification (germline): not provided (0 of 4 stars; one submission).

Conditions:
Uterine leiomyoma (UL). Also called: Uterine corpus leiomyoma. Identifiers: MedGen C0042133, MONDO:0007886, OMIM 150699, HP:0000131.

Submission:

Rajkovic Lab, University of Pittsburgh
No classification provided. Condition: Leiomyoma, uterine. Review status: no classification provided. Collection method: not provided. Allele origin: somatic.
ClinVar note: Converted during submission from Associated with leiomyomas to not provided.